The following is an entry in ClinVar:

ClinVar aggregate classification (germline): Uncertain significance (1 of 4 stars; one submission).

gnomAD v4.1: 1 of 1,614,042 alleles (0.000062%); highest among the groups gnomAD compares: Middle Eastern, 0.016%; no homozygotes.

Submission:

Women's Health and Genetics/Laboratory Corporation of America, LabCorp
Classification: Uncertain significance. Last evaluated: 2024-12-12. Review status: criteria provided, single submitter. Criteria: LabCorp Variant Classification Summary - May 2015. Collection method: clinical testing. Allele origin: germline.
Comment: Variant summary: COL7A1 c.6619G>C (p.Gly2207Arg) results in a non-conservative amino acid change in the encoded protein sequence. Five of five in-silico tools predict a damaging effect of the variant on protein function. Consensus agreement among computation tools predict no significant impact on normal splicing. However, these predictions have yet to be confirmed by functional studies. The variant was absent in 250822 control chromosomes (gnomAD). p.Gly2207Arg has been reported in the literature in individuals affected with Dystrophic Epidermolysis Bullosa, Dominant (Kon_1997, Varki_2007). These data indicate that the variant may be associated with disease. To our knowledge, no experimental evidence demonstrating an impact on protein function has been reported. The following publications have been ascertained in the context of this evaluation (PMID: 16971478, 9347800). No submitters have cited clinical-significance assessments for this variant to ClinVar. Based on the evidence outlined above, the variant was classified as VUS-possibly pathogenic.

Literature cited by the submitters: PubMed 16971478; PubMed 9347800.

NM_000094.4(COL7A1):c.6619G>C (p.Gly2207Arg)

Gene: COL7A1 (collagen type VII alpha 1 chain; minus strand). Cytogenetic location: 3p21.31.
Variant type: single nucleotide variant.
Coding change: c.6619G>C on transcript NM_000094.4 (MANE Select); coding-DNA position 6619, G replaced by C.
Protein change: p.Gly2207Arg; replaces glycine 2207 with arginine.
Molecular consequence: missense variant.
Genome position (GRCh38, 1-based): chr3:48,573,348, C>G on the plus strand (G>C on the coding strand, the complement: COL7A1 is on the minus strand). VCF-style: chr3-48573348-C-G. GRCh37 (hg19) VCF-style: chr3-48610781-C-G.
Other names: short protein forms G2207R.
Identifiers: ClinVar variation 3768087 (VCV003768087.1).